The following is an entry in ClinVar:

ClinVar aggregate classification (germline): Uncertain significance. Review status: criteria provided, multiple submitters, no conflicts (2 of 4 stars). 2 submissions from 2 submitters: Uncertain significance (2). Last evaluated 2024-12-16.

Conditions:
Inborn genetic diseases. Identifiers: MedGen C0950123, MeSH D030342.

Allele frequency attached by ClinVar (database versions not stated): gnomAD 0.00001; gnomAD exomes 0.00001; ExAC 0.00002; TOPMed 0.00003; ESP Exome Variant Server 0.00008.
gnomAD v4.1: 17 of 1,614,128 alleles (0.0011%); highest among the groups gnomAD compares: Admixed American, 0.0017%; no homozygotes.

Submissions (2):

Labcorp Genetics (formerly Invitae), Labcorp
Classification: Uncertain significance. Last evaluated: 2024-12-16. Review status: criteria provided, single submitter. Criteria: Invitae Variant Classification Sherloc (09022015). Collection method: clinical testing. Allele origin: germline.
Comment: This sequence change replaces histidine, which is basic and polar, with leucine, which is neutral and non-polar, at codon 252 of the MYH3 protein (p.His252Leu). This variant is present in population databases (rs146892292, gnomAD 0.004%). This variant has not been reported in the literature in individuals affected with MYH3-related conditions. ClinVar contains an entry for this variant (Variation ID: 1907968). Invitae Evidence Modeling of protein sequence and biophysical properties (such as structural, functional, and spatial information, amino acid conservation, physicochemical variation, residue mobility, and thermodynamic stability) has been performed for this missense variant. However, the output from this modeling did not meet the statistical confidence thresholds required to predict the impact of this variant on MYH3 protein function. In summary, the available evidence is currently insufficient to determine the role of this variant in disease. Therefore, it has been classified as a Variant of Uncertain Significance.

Ambry Genetics
Classification: Uncertain significance for Inborn genetic diseases. Last evaluated: 2022-11-08. Review status: criteria provided, single submitter. Criteria: Ambry Variant Classification Scheme 2023. Collection method: clinical testing. Allele origin: germline.

NM_002470.4(MYH3):c.755A>T (p.His252Leu)

Gene: MYH3 (myosin heavy chain 3; minus strand). Cytogenetic location: 17p13.1.
Variant type: single nucleotide variant.
Coding change: c.755A>T on transcript NM_002470.4 (MANE Select); coding-DNA position 755, A replaced by T.
Protein change: p.His252Leu; replaces histidine 252 with leucine.
Molecular consequence: missense variant.
Genome position (GRCh38, 1-based): chr17:10,647,407, T>A on the plus strand (A>T on the coding strand, the complement: MYH3 is on the minus strand). VCF-style: chr17-10647407-T-A. GRCh37 (hg19) VCF-style: chr17-10550724-T-A.
Other names: short protein forms H252L.
Identifiers: ClinVar variation 1907968 (VCV001907968.6), dbSNP rs146892292, ClinGen allele CA8393162.